The following is an entry in ClinVar:

NM_004211.5(SLC6A5):c.2126G>A (p.Arg709His)

Gene: SLC6A5 (solute carrier family 6 member 5; plus strand). Cytogenetic location: 11p15.1.
Variant type: single nucleotide variant.
Coding change: c.2126G>A on transcript NM_004211.5 (MANE Select); coding-DNA position 2126, G replaced by A.
Protein change: p.Arg709His; replaces arginine 709 with histidine.
Molecular consequence: missense variant.
Genome position (GRCh38, 1-based): chr11:20,652,344, G>A. VCF-style: chr11-20652344-G-A. GRCh37 (hg19) VCF-style: chr11-20673890-G-A.
Other names: c.1424G>A, p.Arg475His (NM_001318369.2); c.2126G>A (NM_004211.3); short protein forms R709H, R475H.
Identifiers: ClinVar variation 2160608 (VCV002160608.2), dbSNP rs1408524137, ClinGen allele CA379915981.
Genomic context (GRCh38, chr11:20,652,344, plus strand): 5'-TCCAGTTTATCCTTTGCTTCAGCTTTTACCAGTGGGAGCCCATGACCTATGGCTCTTACC[G>A]CTATCCTAACTGGTCCATGGTGCTCGGATGGCTAATGCTCGCCTGTTCCGTCATCTGGAT-3'
Protein context (NP_004202.4, residues 699-719): QWEPMTYGSY[Arg709His]YPNWSMVLGW

ClinVar aggregate classification (germline): Uncertain significance. Review status: criteria provided, multiple submitters, no conflicts (2 of 4 stars). 2 submissions from 2 submitters: Uncertain significance (2). Last evaluated 2025-05-21.

Conditions:
Inborn genetic diseases. Identifiers: MedGen C0950123, MeSH D030342.
Hyperekplexia 3 (HKPX3). Also called: HYPEREKPLEXIA 3, AUTOSOMAL RECESSIVE; HYPEREKPLEXIA 3, AUTOSOMAL DOMINANT. Identifiers: Orphanet 3197, MedGen C3553288, MONDO:0013827, OMIM 614618.

Allele frequency attached by ClinVar (database versions not stated): TOPMed below 0.00001; gnomAD exomes 0.00001.
gnomAD v4.1: 17 of 1,613,856 alleles (0.0011%); highest among the groups gnomAD compares: South Asian, 0.0022%; no homozygotes.

Submissions (2):

Ambry Genetics
Classification: Uncertain significance for Inborn genetic diseases. Last evaluated: 2025-05-21. Review status: criteria provided, single submitter. Criteria: Ambry Variant Classification Scheme 2023. Collection method: clinical testing. Allele origin: germline.

Labcorp Genetics (formerly Invitae), Labcorp
Classification: Uncertain significance for Hyperekplexia 3. Last evaluated: 2021-12-23. Review status: criteria provided, single submitter. Criteria: Invitae Variant Classification Sherloc (09022015). Collection method: clinical testing. Allele origin: germline.
Comment: This sequence change replaces arginine, which is basic and polar, with histidine, which is basic and polar, at codon 709 of the SLC6A5 protein (p.Arg709His). This variant is present in population databases (no rsID available, gnomAD 0.003%). This variant has not been reported in the literature in individuals affected with SLC6A5-related conditions. Advanced modeling of protein sequence and biophysical properties (such as structural, functional, and spatial information, amino acid conservation, physicochemical variation, residue mobility, and thermodynamic stability) performed at Invitae indicates that this missense variant is not expected to disrupt SLC6A5 protein function. In summary, the available evidence is currently insufficient to determine the role of this variant in disease. Therefore, it has been classified as a Variant of Uncertain Significance.